The following is an entry in ClinVar:

ClinVar aggregate classification (germline): Likely benign (1 of 4 stars; one submission).

Allele frequency attached by ClinVar (database versions not stated): 1000 Genomes Project 0.00160; 1000 Genomes Project 30x 0.00203; gnomAD 0.00505; TOPMed 0.00538; ESP Exome Variant Server 0.00668.
gnomAD v4.1: 11,144 of 1,613,878 alleles (0.69%); highest among the groups gnomAD compares: Non-Finnish European, 0.82%; 50 homozygotes.

Submission:

CeGaT Center for Human Genetics Tuebingen
Classification: Likely benign. Last evaluated: 2023-02-01. Review status: criteria provided, single submitter. Criteria: CeGaT Center For Human Genetics Tuebingen Variant Classification Criteria Version 2. Collection method: clinical testing. Allele origin: germline. Affected: yes. Observed: 1 variant allele.
Comment: DYTN: BP4, BP7, BS2

NM_001093730.1(DYTN):c.624G>T (p.Leu208=)

Gene: DYTN (dystrotelin; minus strand). Cytogenetic location: 2q33.3.
Variant type: single nucleotide variant.
Coding change: c.624G>T on transcript NM_001093730.1 (MANE Select); coding-DNA position 624, G replaced by T.
Protein change: p.Leu208=; no amino-acid change (leucine 208 retained).
Molecular consequence: synonymous variant.
Genome position (GRCh38, 1-based): chr2:206,699,822, C>A on the plus strand (G>T on the coding strand, the complement: DYTN is on the minus strand). VCF-style: chr2-206699822-C-A. GRCh37 (hg19) VCF-style: chr2-207564546-C-A.
Identifiers: ClinVar variation 2651842 (VCV002651842.24), dbSNP rs116493063, ClinGen allele CA2074049.